The following is an entry in ClinVar:

ClinVar aggregate classification (germline): Uncertain significance (1 of 4 stars; one submission).

Submission:

Ambry Genetics
Classification: Uncertain significance. Last evaluated: 2023-04-10. Review status: criteria provided, single submitter. Criteria: Ambry Variant Classification Scheme 2023. Collection method: clinical testing. Allele origin: germline.
Comment: The p.S392G variant (also known as c.1174A>G), located in coding exon 9 of the RECQL gene, results from an A to G substitution at nucleotide position 1174. The serine at codon 392 is replaced by glycine, an amino acid with similar properties. This amino acid position is highly conserved in available vertebrate species. In addition, the in silico prediction for this alteration is inconclusive. The evidence for this gene-disease relationship is limited; therefore, the clinical significance of this alteration is unclear.

NM_002907.4(RECQL):c.1174A>G (p.Ser392Gly)

Gene: RECQL (RecQ like helicase; minus strand). Cytogenetic location: 12p12.1.
Variant type: single nucleotide variant.
Coding change: c.1174A>G on transcript NM_002907.4 (MANE Select); coding-DNA position 1174, A replaced by G.
Protein change: p.Ser392Gly; replaces serine 392 with glycine.
Molecular consequence: missense variant.
Genome position (GRCh38, 1-based): chr12:21,475,510, T>C on the plus strand (A>G on the coding strand, the complement: RECQL is on the minus strand). VCF-style: chr12-21475510-T-C. GRCh37 (hg19) VCF-style: chr12-21628444-T-C.
Other names: c.1174A>G, p.Ser392Gly (NM_032941.3); short protein forms S392G.
Identifiers: ClinVar variation 2565568 (VCV002565568.2), dbSNP rs2540344583, ClinGen allele CA384119533.